The following is an entry in ClinVar:

NM_001371623.1(TCOF1):c.3664G>A (p.Ala1222Thr)

Gene: TCOF1 (treacle ribosome biogenesis factor 1; plus strand). Cytogenetic location: 5q32.
Variant type: single nucleotide variant.
Coding change: c.3664G>A on transcript NM_001371623.1 (MANE Select); coding-DNA position 3664, G replaced by A.
Protein change: p.Ala1222Thr; replaces alanine 1222 with threonine.
Molecular consequence: missense variant.
Genome position (GRCh38, 1-based): chr5:150,393,432, G>A. VCF-style: chr5-150393432-G-A. GRCh37 (hg19) VCF-style: chr5-149772995-G-A.
Other names: c.3430G>A, p.Ala1144Thr (NM_000356.4); c.3661G>A, p.Ala1221Thr (NM_001135243.2); c.3550G>A, p.Ala1184Thr (NM_001135244.2); c.3433G>A, p.Ala1145Thr (NM_001135245.2); c.3547G>A, p.Ala1183Thr (NM_001195141.2); short protein forms A1144T, A1145T, A1183T, A1184T, A1221T, A1222T.
Identifiers: ClinVar variation 1310103 (VCV001310103.2), dbSNP rs1767830213, ClinGen allele CA361739353.

ClinVar aggregate classification (germline): Uncertain significance (1 of 4 stars; one submission).

Allele frequency attached by ClinVar (database versions not stated): TOPMed below 0.00001.
gnomAD v4.1: 1 of 1,614,106 alleles (0.000062%); highest among the groups gnomAD compares: South Asian, 0.0011%; no homozygotes.

Submission:

GeneDx
Classification: Uncertain significance. Last evaluated: 2020-01-14. Review status: criteria provided, single submitter. Criteria: GeneDx Variant Classification Process June 2021. Collection method: clinical testing. Allele origin: germline. Affected: yes.
Comment: Not observed in large population cohorts (Lek et al., 2016); In silico analysis, which includes protein predictors and evolutionary conservation, supports that this variant does not alter protein structure/function; Has not been previously published as pathogenic or benign to our knowledge